The following is an entry in ClinVar:

NM_025099.6(CTC1):c.2250_2251insT (p.Gly751fs)

Gene: CTC1 (CST telomere replication complex component 1; minus strand). Cytogenetic location: 17p13.1.
Variant type: Insertion.
Coding change: c.2250_2251insT on transcript NM_025099.6 (MANE Select); coding-DNA positions 2250 to 2251, T inserted.
Protein change: p.Gly751fs; shifts the reading frame from glycine 751.
Molecular consequence: frameshift variant. On other transcripts: non-coding transcript variant (1).
Genome position: GRCh38 VCF-style: chr17-8232037-C-CA. GRCh37 (hg19) VCF-style: chr17-8135355-C-CA.
Other names: c.2250_2251insT, p.Gly751fs (NM_001411067.1); short protein forms G751fs.
Identifiers: ClinVar variation 4722715 (VCV004722715.1).

ClinVar aggregate classification (germline): Pathogenic (1 of 4 stars; one submission).

Conditions:
Dyskeratosis congenita. Identifiers: Orphanet 1775, MedGen C0265965, MONDO:0015780.

Submission:

Labcorp Genetics (formerly Invitae), Labcorp
Classification: Pathogenic for Dyskeratosis congenita. Last evaluated: 2025-07-06. Review status: criteria provided, single submitter. Criteria: Invitae Variant Classification Sherloc (09022015). Collection method: clinical testing. Allele origin: germline.
Comment: This sequence change creates a premature translational stop signal (p.Gly751Trpfs*40) in the CTC1 gene. It is expected to result in an absent or disrupted protein product. Loss-of-function variants in CTC1 are known to be pathogenic (PMID: 22267198, 22387016). This variant is not present in population databases (gnomAD no frequency). This variant has not been reported in the literature in individuals affected with CTC1-related conditions. Algorithms developed to predict the effect of sequence changes on RNA splicing suggest that this variant may disrupt the consensus splice site. For these reasons, this variant has been classified as Pathogenic.

Literature cited by the submitters: PubMed 22267198; PubMed 22387016.